The following is an entry in ClinVar:

NM_001018115.3(FANCD2):c.3553C>G (p.Leu1185Val)

Genes: FANCD2 (FA complementation group D2; plus strand), FANCD2OS (FANCD2 opposite strand; minus strand). Cytogenetic location: 3p25.3.
Variant type: single nucleotide variant.
Coding change: c.3553C>G on transcript NM_001018115.3 (MANE Select); coding-DNA position 3553, C replaced by G.
Protein change: p.Leu1185Val; replaces leucine 1185 with valine.
Molecular consequence: missense variant. On other transcripts: intron variant (1).
Genome position (GRCh38, 1-based): chr3:10,088,535, C>G. VCF-style: chr3-10088535-C-G. GRCh37 (hg19) VCF-style: chr3-10130219-C-G.
Other names: c.3553C>G, p.Leu1185Val (NM_001319984.2, NM_001374254.1, NM_033084.6); c.3442C>G, p.Leu1148Val (NM_001374253.1); c.*44-7004G>C (NM_173472.2); short protein forms L1148V, L1185V.
Identifiers: ClinVar variation 3703027 (VCV003703027.2).

ClinVar aggregate classification (germline): Uncertain significance (1 of 4 stars; one submission).

Conditions:
Fanconi anemia (FA). Also called: Fanconi's anemia. Identifiers: Orphanet 84, MedGen C0015625, MeSH D005199, MONDO:0019391.

gnomAD v4.1: 10 of 1,599,076 alleles (0.00063%); highest among the groups gnomAD compares: Non-Finnish European, 0.00086%; no homozygotes.

Submission:

Labcorp Genetics (formerly Invitae), Labcorp
Classification: Uncertain significance for Fanconi anemia. Last evaluated: 2024-12-15. Review status: criteria provided, single submitter. Criteria: Invitae Variant Classification Sherloc (09022015). Collection method: clinical testing. Allele origin: germline.
Comment: This sequence change replaces leucine, which is neutral and non-polar, with valine, which is neutral and non-polar, at codon 1185 of the FANCD2 protein (p.Leu1185Val). This variant is not present in population databases (gnomAD no frequency). This variant has not been reported in the literature in individuals affected with FANCD2-related conditions. Invitae Evidence Modeling of protein sequence and biophysical properties (such as structural, functional, and spatial information, amino acid conservation, physicochemical variation, residue mobility, and thermodynamic stability) indicates that this missense variant is not expected to disrupt FANCD2 protein function with a negative predictive value of 80%. In summary, the available evidence is currently insufficient to determine the role of this variant in disease. Therefore, it has been classified as a Variant of Uncertain Significance.